The following is an entry in ClinVar:

NM_139058.3(ARX):c.1368C>A (p.Ser456Arg)

Gene: ARX (aristaless related homeobox; minus strand). Cytogenetic location: Xp21.3.
Variant type: single nucleotide variant.
Coding change: c.1368C>A on transcript NM_139058.3 (MANE Select); coding-DNA position 1368, C replaced by A.
Protein change: p.Ser456Arg; replaces serine 456 with arginine.
Molecular consequence: missense variant.
Genome position (GRCh38, 1-based): chrX:25,007,191, G>T on the plus strand (C>A on the coding strand, the complement: ARX is on the minus strand). VCF-style: chrX-25007191-G-T. GRCh37 (hg19) VCF-style: chrX-25025308-G-T.
Other names: short protein forms S456R.
Identifiers: ClinVar variation 4782986 (VCV004782986.1).

ClinVar aggregate classification (germline): Uncertain significance (1 of 4 stars; one submission).

Conditions:
Intellectual disability, X-linked, with or without seizures, ARX-related. Also called: Mental retardation, X-linked 52; INTELLECTUAL DEVELOPMENTAL DISORDER, X-LINKED 29; MENTAL RETARDATION, X-LINKED 29; MENTAL RETARDATION, X-LINKED 32; MENTAL RETARDATION, X-LINKED 33; MENTAL RETARDATION, X-LINKED 38. Identifiers: Orphanet 777, MedGen C0796244, MONDO:0010317, OMIM 300419.
Developmental and epileptic encephalopathy, 1 (DEE1). Also called: Epileptic encephalopathy, early infantile, 1; X-linked infantile spasms; West's syndrome; Tonic spasms with clustering, arrest of psychomotor development and hypsarrhythmia on EEG; X-Linked Infantile Spasm Syndrome; OHTAHARA SYNDROME, X-LINKED. Identifiers: MedGen C3463992, MONDO:0010632, OMIM 308350. Disease mechanism: loss of function.

gnomAD v4.1: 1 of 1,185,793 alleles (0.000084%); highest among the groups gnomAD compares: Non-Finnish European, 0.00011%; no homozygotes.

Submission:

Labcorp Genetics (formerly Invitae), Labcorp
Classification: Uncertain significance for Developmental and epileptic encephalopathy, 1; Intellectual disability, X-linked, with or without seizures, ARX-related. Last evaluated: 2025-12-05. Review status: criteria provided, single submitter. Criteria: Invitae Variant Classification Sherloc (09022015). Collection method: clinical testing. Allele origin: germline.
Comment: This sequence change replaces serine, which is neutral and polar, with arginine, which is basic and polar, at codon 456 of the ARX protein (p.Ser456Arg). This variant is not present in population databases (gnomAD no frequency). This variant has not been reported in the literature in individuals affected with ARX-related conditions. Invitae Evidence Modeling of protein sequence and biophysical properties (such as structural, functional, and spatial information, amino acid conservation, physicochemical variation, residue mobility, and thermodynamic stability) indicates that this missense variant is not expected to disrupt ARX protein function with a negative predictive value of 80%. In summary, the available evidence is currently insufficient to determine the role of this variant in disease. Therefore, it has been classified as a Variant of Uncertain Significance.